The following is an entry in ClinVar:

NC_000001.10:g.(?_216243423)_(216262501_?)del

Gene: USH2A (usherin; minus strand). Cytogenetic location: 1q41.
Variant type: Deletion.
Identifiers: ClinVar variation 2427737 (VCV002427737.4).

ClinVar aggregate classification (germline): Pathogenic (1 of 4 stars; one submission).

Submission:

Labcorp Genetics (formerly Invitae), Labcorp
Classification: Pathogenic. Last evaluated: 2022-05-16. Review status: criteria provided, single submitter. Criteria: Invitae Variant Classification Sherloc (09022015). Collection method: clinical testing. Allele origin: germline.
Comment: This variant is a gross deletion of the genomic region encompassing exon(s) 23-30 of the USH2A gene. This deletion is out-of-frame, and is expected to create a premature termination codon and result in an absent or disrupted protein product. Loss-of-function variants in USH2A are known to be pathogenic (PMID: 10729113, 10909849, 20507924, 25649381). This variant has not been reported in the literature in individuals affected with USH2A-related conditions. For these reasons, this variant has been classified as Pathogenic.

Literature cited by the submitters: PubMed 10729113; PubMed 10909849; PubMed 20507924; PubMed 25649381.